The following is an entry in ClinVar:

NM_000093.5(COL5A1):c.2391C>T (p.Ala797=)

Gene: COL5A1 (collagen type V alpha 1 chain; plus strand). Cytogenetic location: 9q34.3.
Variant type: single nucleotide variant.
Coding change: c.2391C>T on transcript NM_000093.5 (MANE Select); coding-DNA position 2391, C replaced by T.
Protein change: p.Ala797=; no amino-acid change (alanine 797 retained).
Molecular consequence: synonymous variant.
Genome position (GRCh38, 1-based): chr9:134,780,107, C>T. VCF-style: chr9-134780107-C-T. GRCh37 (hg19) VCF-style: chr9-137671953-C-T.
Other names: p.Ala797=; c.2391C>T, p.Ala797= (NM_001278074.1).
Identifiers: ClinVar variation 507512 (VCV000507512.57), dbSNP rs142347159, ClinGen allele CA5319320.

ClinVar aggregate classification (germline): Likely benign. Review status: criteria provided, multiple submitters, no conflicts (2 of 4 stars). 6 submissions from 6 submitters: Likely benign (6). Last evaluated 2025-12-19.

Conditions:
Familial thoracic aortic aneurysm and aortic dissection (TAAD). Also called: Thoracic aortic aneurysms and dissections. Identifiers: Orphanet 91387, MedGen C4707243, MONDO:0019625.
Ehlers-Danlos syndrome, classic type, 1 (EDSCL1). Also called: EHLERS-DANLOS SYNDROME, GRAVIS TYPE; EHLERS-DANLOS SYNDROME, SEVERE CLASSIC TYPE; Ehlers-Danlos syndrome, type 1; Ehlers-Danlos Syndrome, Classic Type, COL5A1-Related; EDS I. Identifiers: MedGen C0268335, MONDO:0019567, OMIM 130000.

Allele frequency attached by ClinVar (database versions not stated): gnomAD exomes 0.00005 and 0.00006; TOPMed 0.00005; ESP Exome Variant Server 0.00008; ExAC 0.00009; gnomAD 0.00010.
gnomAD v4.1: 86 of 1,613,492 alleles (0.0053%); highest among the groups gnomAD compares: Non-Finnish European, 0.0062%; no homozygotes.

Submissions (6):

Labcorp Genetics (formerly Invitae), Labcorp
Classification: Likely benign for Ehlers-Danlos syndrome, classic type, 1. Last evaluated: 2025-12-19. Review status: criteria provided, single submitter. Criteria: Invitae Variant Classification Sherloc (09022015). Collection method: clinical testing. Allele origin: germline.

Mayo Clinic Laboratories, Mayo Clinic
Classification: Likely benign. Last evaluated: 2025-02-11. Review status: criteria provided, single submitter. Criteria: ACMG Guidelines, 2015. Collection method: clinical testing. Allele origin: germline. Observed: 1 variant allele.
Comment: BP4, BP7

Blueprint Genetics
Classification: Likely benign. Last evaluated: 2024-11-26. Review status: criteria provided, single submitter. Criteria: ACMG Guidelines, 2015. Collection method: clinical testing. Allele origin: germline.

Ambry Genetics
Classification: Likely benign for Familial thoracic aortic aneurysm and aortic dissection. Last evaluated: 2022-05-17. Review status: criteria provided, single submitter. Criteria: Ambry Variant Classification Scheme 2023. Collection method: clinical testing. Allele origin: germline.

GeneDx
Classification: Likely benign. Last evaluated: 2020-09-17. Review status: criteria provided, single submitter. Criteria: GeneDx Variant Classification Process June 2021. Collection method: clinical testing. Allele origin: germline. Affected: yes.

Breakthrough Genomics
Classification: Likely benign. Review status: criteria provided, single submitter. Criteria: ACMG Guidelines, 2015. Collection method: not provided. Allele origin: germline. Inheritance: Autosomal dominant inheritance. Affected: yes.